The following is an entry in ClinVar:

NM_001042492.3(NF1):c.4765_4777del (p.Thr1589fs)

Gene: NF1 (neurofibromin 1; plus strand). Cytogenetic location: 17q11.2.
Variant type: Deletion.
Coding change: c.4765_4777del on transcript NM_001042492.3 (MANE Select); coding-DNA positions 4765 to 4777, 13 bases deleted (ACGTTAAGTATTT).
Protein change: p.Thr1589fs; shifts the reading frame from threonine 1589.
Molecular consequence: frameshift variant.
Genome position (GRCh38, 1-based): chr17:31,265,269-31,265,281, ACGTTAAGTATTT deleted. VCF-style (leftmost placement, unchanged base first): chr17-31265268-AACGTTAAGTATTT-A. GRCh37 (hg19) VCF-style: chr17-29592286-AACGTTAAGTATTT-A.
Other names: c.4702_4714del13 (NM_000267.3); c.4702_4714delACGTTAAGTATTT, p.Thr1568Serfs (NM_000267.4); short protein forms T1589fs, T1568fs.
Identifiers: ClinVar variation 3404692 (VCV003404692.1).

ClinVar aggregate classification (germline): Pathogenic (1 of 4 stars; one submission).

Conditions:
Hereditary cancer-predisposing syndrome. Also called: Hereditary Cancer Syndrome; Tumor predisposition; Hereditary neoplastic syndrome; Neoplastic Syndromes, Hereditary. Identifiers: Orphanet 140162, MedGen C0027672, MeSH D009386, MONDO:0015356.
Cardiovascular phenotype. Identifiers: MedGen CN230736.

Submission:

Ambry Genetics
Classification: Pathogenic for Cardiovascular phenotype; Hereditary cancer-predisposing syndrome. Last evaluated: 2024-08-21. Review status: criteria provided, single submitter. Criteria: Ambry Variant Classification Scheme 2023. Collection method: clinical testing. Allele origin: germline.
Comment: The c.4702_4714del13 pathogenic mutation, located in coding exon 35 of the NF1 gene, results from a deletion of 13 nucleotides at nucleotide positions 4702 to 4714, causing a translational frameshift with a predicted alternate stop codon (p.T1568Sfs*31). This variant is considered to be rare based on population cohorts in the Genome Aggregation Database (gnomAD). This alteration is expected to result in loss of function by premature protein truncation or nonsense-mediated mRNA decay. As such, this alteration is interpreted as a disease-causing mutation.